The following is an entry in ClinVar:

NM_170707.4(LMNA):c.613G>T (p.Asp205Tyr)

Gene: LMNA (lamin A/C; plus strand). Cytogenetic location: 1q22.
Variant type: single nucleotide variant.
Coding change: c.613G>T on transcript NM_170707.4 (MANE Select); coding-DNA position 613, G replaced by T.
Protein change: p.Asp205Tyr; replaces aspartic acid 205 with tyrosine.
Molecular consequence: missense variant. On other transcripts: 5 prime UTR variant (4).
Genome position (GRCh38, 1-based): chr1:156,134,502, G>T. VCF-style: chr1-156134502-G-T. GRCh37 (hg19) VCF-style: chr1-156104293-G-T.
Other names: c.55G>T, p.Asp19Tyr (NM_001406990.1, NM_001406993.1, NM_001406995.1 and 4 more transcripts); c.613G>T, p.Asp205Tyr (NM_001406991.1, NM_001406992.1, NM_005572.4 and 6 more transcripts); c.-52G>T (NM_001406994.1, NM_001406999.1, NM_001407000.1 and 1 more transcripts); c.277G>T, p.Asp93Tyr (NM_001406998.1, NM_001257374.3, NM_001406989.1); c.370G>T, p.Asp124Tyr (NM_001282624.2, NM_001406986.1, NM_001406987.1); c.316G>T, p.Asp106Tyr (NM_001406988.1); short protein forms D106Y, D124Y, D19Y, D205Y, D93Y.
Identifiers: ClinVar variation 4756749 (VCV004756749.1).
Genomic context (GRCh38, chr1:156,134,502, plus strand): 5'-GATGAGATGCTGCGGCGGGTGGATGCTGAGAACAGGCTGCAGACCATGAAGGAGGAACTG[G>T]ACTTCCAGAAGAACATCTACAGTGAGGTGGGGACTGTGCTTTGCAAGCCAGAGGGCTGGG-3'
Protein context (NP_733821.1, residues 195-215): NRLQTMKEEL[Asp205Tyr]FQKNIYSEEL

ClinVar aggregate classification (germline): Uncertain significance (1 of 4 stars; one submission).

Conditions:
Cardiomyopathy (CMYO). Also called: Cardiomyopathies. Identifiers: Orphanet 167848, MedGen C0878544, MONDO:0004994, HP:0001638. Inheritance: Various modes of inheritance.

gnomAD v4.1: 1 of 1,614,182 alleles (0.000062%); highest among the groups gnomAD compares: Non-Finnish European, 0.000085%; no homozygotes.

Submission:

Color Diagnostics, LLC DBA Color Health
Classification: Uncertain significance for Cardiomyopathy. Last evaluated: 2025-05-20. Review status: criteria provided, single submitter. Criteria: ACMG Guidelines, 2015. Collection method: clinical testing. Allele origin: germline.
Comment: This missense variant replaces aspartic acid with tyrosine at codon 205 of the LMNA protein. Computational prediction suggests that this variant may have a deleterious impact on protein structure and function. To our knowledge, functional studies have not been reported for this variant. This variant has not been reported in individuals affected with LMNA-related disorders in the literature. This variant has not been identified in the general population by the Genome Aggregation Database (gnomAD). The available evidence is insufficient to determine the role of this variant in disease conclusively. Therefore, this variant is classified as a Variant of Uncertain Significance.